The following is an entry in ClinVar:

ClinVar aggregate classification (germline): Benign (1 of 4 stars; one submission).

Submission:

Unidad de Genómica Garrahan, Hospital de Pediatría Garrahan
Classification: Benign. Last evaluated: 2023-11-12. Review status: criteria provided, single submitter. Criteria: ACMG Guidelines, 2015. Collection method: clinical testing. Allele origin: germline. Affected: no. Observed: 21 variant alleles.
Comment: This variant is classified as Benign based on local population frequency. This variant was detected in 22% of patients studied by a panel of primary immunodeficiencies. Number of patients: 21. Only high quality variants are reported.

NM_006254.4(PRKCD):c.315+36_315+37insCGTG

Gene: PRKCD (protein kinase C delta; plus strand). Cytogenetic location: 3p21.1.
Variant type: Insertion.
Coding change: c.315+36_315+37insCGTG on transcript NM_006254.4 (MANE Select); bases 36 to 37 of the intron after coding-DNA position 315, CGTG inserted.
Molecular consequence: intron variant.
Genome position: GRCh38 VCF-style: chr3-53179809-T-TGTGC. GRCh37 (hg19) VCF-style: chr3-53213825-T-TGTGC.
Other names: c.315+36_315+37insCGTG (NM_001354680.2, NM_001354679.2, NM_212539.2 and 1 more transcripts); c.372+36_372+37insCGTG (NM_001354676.2); c.363+36_363+37insCGTG (NM_001354678.2).
Identifiers: ClinVar variation 2628294 (VCV002628294.2), dbSNP rs2471080887, ClinGen allele CA2695197925.
Genomic context (GRCh38, chr3:53,179,809, plus strand): 5'-GAAGAACAATGGCAAGGCTGAGTTCTGGGTAAGGGGCGCACGAGCCGTGCCGTGTGTGTG[T>TGTGC]GTGTGTGTGTCTGTGTGTGTGTGCATGCGTGCATGTGTGTGCGTGCACACACGCGGGCTT-3'